The following is an entry in ClinVar:

ClinVar aggregate classification (germline): Benign/Likely benign. Review status: criteria provided, multiple submitters, no conflicts (2 of 4 stars). 4 submissions from 4 submitters: Benign (1); Likely benign (2). 1 of the submissions does not count toward it. Last evaluated 2025-11-05.

Conditions:
ADNP-related disorder. Also called: ADNP-related condition.
Inborn genetic diseases. Identifiers: MedGen C0950123, MeSH D030342.

Allele frequency attached by ClinVar (database versions not stated): ExAC 0.00004; gnomAD exomes 0.00006; gnomAD 0.00017; TOPMed 0.00039; 1000 Genomes Project 0.00040.

Submissions (4):

Labcorp Genetics (formerly Invitae), Labcorp
Classification: Likely benign. Last evaluated: 2025-11-05. Review status: criteria provided, single submitter. Criteria: Invitae Variant Classification Sherloc (09022015). Collection method: clinical testing. Allele origin: germline.

CeGaT Center for Human Genetics Tuebingen
Classification: Likely benign. Last evaluated: 2025-10-01. Review status: criteria provided, single submitter. Criteria: CeGaT Center For Human Genetics Tuebingen Variant Classification Criteria Version 2. Collection method: clinical testing. Allele origin: germline. Affected: yes. Observed: 1 variant allele.
Comment: ADNP: BS2

Ambry Genetics
Classification: Benign for Inborn genetic diseases. Last evaluated: 2019-03-07. Review status: criteria provided, single submitter. Criteria: Ambry Variant Classification Scheme 2023. Collection method: clinical testing. Allele origin: germline.

PreventionGenetics, part of Exact Sciences
Classification: Likely benign for ADNP-related condition. Last evaluated: 2023-09-27. Review status: no assertion criteria provided. Collection method: clinical testing. Allele origin: germline. Not counted in ClinVar's aggregate classification.
Comment: This variant is classified as likely benign based on ACMG/AMP sequence variant interpretation guidelines (Richards et al. 2015 PMID: 25741868, with internal and published modifications).

NM_001282531.3(ADNP):c.2149C>T (p.Arg717Cys)

Gene: ADNP (activity dependent neuroprotector homeobox; minus strand). Cytogenetic location: 20q13.13.
Variant type: single nucleotide variant.
Coding change: c.2149C>T on transcript NM_001282531.3 (MANE Select); coding-DNA position 2149, C replaced by T.
Protein change: p.Arg717Cys; replaces arginine 717 with cysteine.
Molecular consequence: missense variant.
Genome position (GRCh38, 1-based): chr20:50,892,565, G>A on the plus strand (C>T on the coding strand, the complement: ADNP is on the minus strand). VCF-style: chr20-50892565-G-A. GRCh37 (hg19) VCF-style: chr20-49509102-G-A.
Other names: c.2149C>T (NM_001282531.2); c.2149C>T, p.Arg717Cys (NM_001282532.2, NM_001347511.2, NM_015339.5 and 1 more transcripts); short protein forms R717C.
Identifiers: ClinVar variation 1786690 (VCV001786690.15), dbSNP rs186178058, ClinGen allele CA9908636.
Genomic context (GRCh38, chr20:50,892,565, plus strand): 5'-CACTATCATCATCTAACTTTCGTTTTTTCAGTAAGGGAAATTCCATTTGCTCGTAAGTGC[G>A]CTTCACAGGTGCCAGACTTGGAGACTGATTAAGCCGAGAGGGTGCATTTGTCTTATCCTG-3'
Protein context (NP_001269460.1, residues 707-727): NQSPSLAPVK[Arg717Cys]TYEQMEFPLL